The following is an entry in ClinVar:

NM_001042492.3(NF1):c.4418_4420del (p.Asp1473del)

Gene: NF1 (neurofibromin 1; plus strand). Cytogenetic location: 17q11.2.
Variant type: Deletion.
Coding change: c.4418_4420del on transcript NM_001042492.3 (MANE Select); coding-DNA positions 4418 to 4420, 3 bases deleted (ATG; older notation c.4418_4420delATG).
Protein change: p.Asp1473del; deletes aspartic acid 1473.
Molecular consequence: inframe deletion. On other transcripts: inframe indel (1).
Genome position (GRCh38, 1-based): chr17:31,259,117-31,259,119, ATG deleted; deleting any 3 consecutive bases within chr17:31,259,115-31,259,119 gives the same sequence; the c. name uses the placement nearest the transcript's 3' end. VCF-style (leftmost placement, unchanged base first): chr17-31259114-TTGA-T. GRCh37 (hg19) VCF-style: chr17-29586132-TTGA-T.
Other names: c.4355_4357delATG (NM_000267.3); c.4355_4357delATG, p.Asp1452del (NM_000267.4); short protein forms D1473del, D1452del.
Identifiers: ClinVar variation 4033510 (VCV004033510.1).

ClinVar aggregate classification (germline): Uncertain significance (1 of 4 stars; one submission).

Conditions:
Cardiovascular phenotype. Identifiers: MedGen CN230736.
Hereditary cancer-predisposing syndrome. Also called: Neoplastic Syndromes, Hereditary; Tumor predisposition; Hereditary neoplastic syndrome; Hereditary Cancer Syndrome. Identifiers: Orphanet 140162, MedGen C0027672, MeSH D009386, MONDO:0015356.

Submission:

Ambry Genetics
Classification: Uncertain significance for Cardiovascular phenotype; Hereditary cancer-predisposing syndrome. Last evaluated: 2025-05-24. Review status: criteria provided, single submitter. Criteria: Ambry Variant Classification Scheme 2023. Collection method: clinical testing. Allele origin: germline.
Comment: The c.4355_4357delATG variant (also known as p.D1452del) is located in coding exon 32 of the NF1 gene. This variant results from an in-frame ATG deletion at nucleotide positions 4355 to 4357. This results in the in-frame deletion of an aspartic acid at codon 1452. This amino acid position is highly conserved in available vertebrate species. In addition, this variant is predicted to be deleterious by in silico analysis (Choi Y et al. PLoS ONE. 2012; 7(10):e46688). Based on the available evidence, the clinical significance of this variant remains unclear.